The following is an entry in ClinVar:

NM_004415.4(DSP):c.1456G>T (p.Asp486Tyr)

Gene: DSP (desmoplakin; plus strand). Cytogenetic location: 6p24.3.
Variant type: single nucleotide variant.
Coding change: c.1456G>T on transcript NM_004415.4 (MANE Select); coding-DNA position 1456, G replaced by T.
Protein change: p.Asp486Tyr; replaces aspartic acid 486 with tyrosine.
Molecular consequence: missense variant.
Genome position (GRCh38, 1-based): chr6:7,569,222, G>T. VCF-style: chr6-7569222-G-T. GRCh37 (hg19) VCF-style: chr6-7569455-G-T.
Other names: c.1456G>T, p.Asp486Tyr (NM_001008844.3, NM_001319034.2); short protein forms D486Y.
Identifiers: ClinVar variation 4758096 (VCV004758096.1).

ClinVar aggregate classification (germline): Uncertain significance (1 of 4 stars; one submission).

Conditions:
Cardiomyopathy (CMYO). Also called: Cardiomyopathies. Identifiers: Orphanet 167848, MedGen C0878544, MONDO:0004994, HP:0001638. Inheritance: Various modes of inheritance.

Submission:

Color Diagnostics, LLC DBA Color Health
Classification: Uncertain significance for Cardiomyopathy. Last evaluated: 2025-09-29. Review status: criteria provided, single submitter. Criteria: ACMG Guidelines, 2015. Collection method: clinical testing. Allele origin: germline.
Comment: This missense variant replaces aspartic acid with tyrosine at codon 486 of the DSP protein. Computational prediction suggests that this variant may have deleterious impact on protein structure and function. To our knowledge, functional studies have not been reported for this variant. This variant has not been reported in individuals affected with DSP-related disorders in the literature. This variant has not been identified in the general population by the Genome Aggregation Database (gnomAD). The available evidence is insufficient to determine the role of this variant in disease conclusively. Therefore, this variant is classified as a Variant of Uncertain Significance.